The following is an entry in ClinVar:

ClinVar aggregate classification (germline): Uncertain significance (1 of 4 stars; one submission).

Submission:

Labcorp Genetics (formerly Invitae), Labcorp
Classification: Uncertain significance. Last evaluated: 2023-03-02. Review status: criteria provided, single submitter. Criteria: Invitae Variant Classification Sherloc (09022015). Collection method: clinical testing. Allele origin: germline.
Comment: In summary, the available evidence is currently insufficient to determine the role of this variant in disease. Therefore, it has been classified as a Variant of Uncertain Significance. Advanced modeling of protein sequence and biophysical properties (such as structural, functional, and spatial information, amino acid conservation, physicochemical variation, residue mobility, and thermodynamic stability) performed at Invitae indicates that this missense variant is not expected to disrupt DSG1 protein function. This variant has not been reported in the literature in individuals affected with DSG1-related conditions. This variant is not present in population databases (gnomAD no frequency). This sequence change replaces asparagine, which is neutral and polar, with aspartic acid, which is acidic and polar, at codon 480 of the DSG1 protein (p.Asn480Asp).

NM_001942.4(DSG1):c.1438A>G (p.Asn480Asp)

Gene: DSG1 (desmoglein 1; plus strand). Cytogenetic location: 18q12.1.
Variant type: single nucleotide variant.
Coding change: c.1438A>G on transcript NM_001942.4 (MANE Select); coding-DNA position 1438, A replaced by G.
Protein change: p.Asn480Asp; replaces asparagine 480 with aspartic acid.
Molecular consequence: missense variant.
Genome position (GRCh38, 1-based): chr18:31,339,776, A>G. VCF-style: chr18-31339776-A-G. GRCh37 (hg19) VCF-style: chr18-28919739-A-G.
Other names: short protein forms N480D.
Identifiers: ClinVar variation 2842186 (VCV002842186.3), dbSNP rs2071776784, ClinGen allele CA402137061.
Genomic context (GRCh38, chr18:31,339,776, plus strand): 5'-ATTTCTTCCATTTTGAACGTTATTACAGATAATCTTCAAAGAACTTGCACTGGTACAATT[A>G]ATATTAACATTCAAAGTTTTGGTAATGACGACAGGACTAATACAGAGCCGAACACTAAAA-3'
Protein context (NP_001933.2, residues 470-490): NLQRTCTGTI[Asn480Asp]INIQSFGNDD